The following is an entry in ClinVar:

NM_001943.5(DSG2):c.1952T>G (p.Ile651Arg)

Gene: DSG2 (desmoglein 2; plus strand). Cytogenetic location: 18q12.1.
Variant type: single nucleotide variant.
Coding change: c.1952T>G on transcript NM_001943.5 (MANE Select); coding-DNA position 1952, T replaced by G.
Protein change: p.Ile651Arg; replaces isoleucine 651 with arginine.
Molecular consequence: missense variant.
Genome position (GRCh38, 1-based): chr18:31,541,265, T>G. VCF-style: chr18-31541265-T-G. GRCh37 (hg19) VCF-style: chr18-29121228-T-G.
Other names: c.1952T>G (LRG_397t1); short protein forms I651R.
Identifiers: ClinVar variation 654498 (VCV000654498.8), dbSNP rs766353242, ClinGen allele CA402139629.

ClinVar aggregate classification (germline): Uncertain significance (1 of 4 stars; one submission).

Conditions:
Arrhythmogenic right ventricular dysplasia 10. Also called: Arrhythmogenic right ventricular dysplasia/cardiomyopathy, type 10; Arrhythmogenic Right Ventricular Dysplasia/Cardiomyopathy10; ARRHYTHMOGENIC RIGHT VENTRICULAR DYSPLASIA, FAMILIAL, 10. Identifiers: MedGen C1857777, MONDO:0012434, OMIM 610193.

Submission:

Labcorp Genetics (formerly Invitae), Labcorp
Classification: Uncertain significance for Arrhythmogenic right ventricular dysplasia 10. Last evaluated: 2018-07-17. Review status: criteria provided, single submitter. Criteria: Invitae Variant Classification Sherloc (09022015). Collection method: clinical testing. Allele origin: germline.
Comment: This sequence change replaces isoleucine with arginine at codon 651 of the DSG2 protein (p.Ile651Arg). The isoleucine residue is moderately conserved and there is a moderate physicochemical difference between isoleucine and arginine. This variant is not present in population databases (ExAC no frequency). This variant has not been reported in the literature in individuals with DSG2-related disease. Algorithms developed to predict the effect of missense changes on protein structure and function are either unavailable or do not agree on the potential impact of this missense change (SIFT: "Tolerated"; PolyPhen-2: "Possibly Damaging"; Align-GVGD: "Class C0"). Algorithms developed to predict the effect of sequence changes on RNA splicing suggest that this variant may create or strengthen a splice site, but this prediction has not been confirmed by published transcriptional studies. In summary, the available evidence is currently insufficient to determine the role of this variant in disease. Therefore, it has been classified as a Variant of Uncertain Significance.